The following is an entry in ClinVar:

ClinVar aggregate classification (germline): Uncertain significance (1 of 4 stars; one submission).

Conditions:
Familial thoracic aortic aneurysm and aortic dissection (TAAD). Also called: Thoracic aortic aneurysms and dissections. Identifiers: Orphanet 91387, MedGen C4707243, MONDO:0019625.

Allele frequency attached by ClinVar (database versions not stated): gnomAD exomes below 0.00001.

Submission:

Ambry Genetics
Classification: Uncertain significance for Familial thoracic aortic aneurysm and aortic dissection. Last evaluated: 2015-05-28. Review status: criteria provided, single submitter. Criteria: Ambry Variant Classification Scheme 2023. Collection method: clinical testing. Allele origin: germline.
Comment: The p.P342S variant (also known as c.1024C>T), located in coding exon 7 of the COL5A1 gene, results from a C to T substitution at nucleotide position 1024. The proline at codon 342 is replaced by serine, an amino acid with some similar properties. This variant was not reported in population based cohorts in the following databases: Database of Single Nucleotide Polymorphisms (dbSNP), NHLBI Exome Sequencing Project (ESP), and 1000 Genomes Project. In the ESP, this variant was not observed in 6503 samples (13006 alleles) with coverage at this position. This amino acid position is well conserved in available vertebrate species. In addition, this alteration is predicted to be tolerated by in silico analysis. Since supporting evidence is limited at this time, the clinical significance of this variant remains unclear.

NM_000093.5(COL5A1):c.1024C>T (p.Pro342Ser)

Gene: COL5A1 (collagen type V alpha 1 chain; plus strand). Cytogenetic location: 9q34.3.
Variant type: single nucleotide variant.
Coding change: c.1024C>T on transcript NM_000093.5 (MANE Select); coding-DNA position 1024, C replaced by T.
Protein change: p.Pro342Ser; replaces proline 342 with serine.
Molecular consequence: missense variant.
Genome position (GRCh38, 1-based): chr9:134,730,335, C>T. VCF-style: chr9-134730335-C-T. GRCh37 (hg19) VCF-style: chr9-137622181-C-T.
Other names: c.1024C>T, p.Pro342Ser (NM_001278074.1); short protein forms P342S.
Identifiers: ClinVar variation 264049 (VCV000264049.5), dbSNP rs886039023, ClinGen allele CA10587662.
Genomic context (GRCh38, chr9:134,730,335, plus strand): 5'-GAAACCAGTGAAGGGGCTGGGAAGGAAGAGGACGTCGGCATCGGGGACTATGACTACGTG[C>T]CCAGTGAGGACTACTACACGCCCTCACCGTATGATGACCTCACCTATGGCGAGGGGGAGG-3'
Protein context (NP_000084.3, residues 332-352): DVGIGDYDYV[Pro342Ser]SEDYYTPSPY